The following is an entry in ClinVar:

ClinVar aggregate classification (germline): Uncertain significance. Review status: criteria provided, multiple submitters, no conflicts (2 of 4 stars). 3 submissions from 3 submitters: Uncertain significance (3). Last evaluated 2024-04-23.

Conditions:
Hereditary cancer-predisposing syndrome. Also called: Tumor predisposition; Hereditary Cancer Syndrome; Neoplastic Syndromes, Hereditary; Hereditary neoplastic syndrome. Identifiers: Orphanet 140162, MedGen C0027672, MeSH D009386, MONDO:0015356.
Familial melanoma. Also called: Hereditary melanoma; Hereditary cutaneous melanoma. Identifiers: Orphanet 618, MedGen C1512419, MONDO:0018961.

Allele frequency attached by ClinVar (database versions not stated): ExAC below 0.00001; gnomAD exomes below 0.00001; TOPMed below 0.00001.
gnomAD v4.1: 2 of 1,605,604 alleles (0.00012%); highest among the groups gnomAD compares: Non-Finnish European, 0.00017%; no homozygotes.

Submissions (3):

Ambry Genetics
Classification: Uncertain significance for Hereditary cancer-predisposing syndrome. Last evaluated: 2024-04-23. Review status: criteria provided, single submitter. Criteria: Ambry Variant Classification Scheme 2023. Collection method: clinical testing. Allele origin: germline.
Comment: The p.D105N variant (also known as c.313G>A), located in coding exon 2 of the CDKN2A gene, results from a G to A substitution at nucleotide position 313. The aspartic acid at codon 105 is replaced by asparagine, an amino acid with highly similar properties. This amino acid position is well conserved in available vertebrate species. In addition, the in silico prediction for this alteration is inconclusive. Based on the available evidence, the clinical significance of this variant remains unclear.

Labcorp Genetics (formerly Invitae), Labcorp
Classification: Uncertain significance for Familial melanoma. Last evaluated: 2024-03-26. Review status: criteria provided, single submitter. Criteria: Invitae Variant Classification Sherloc (09022015). Collection method: clinical testing. Allele origin: germline.
Comment: The CDKN2A gene encodes two different proteins, p16INK4a and p14ARF, which are translated from alternative transcripts with different open reading frames. Both transcripts have been analyzed. We report either the variant with the higher classification or default to the CDKN2A (p16INK4a) variant. This report therefore includes the details for the CDKN2A (p16INK4a) variant. This sequence change replaces aspartic acid, which is acidic and polar, with asparagine, which is neutral and polar, at codon 105 of the CDKN2A (p16INK4a) protein (p.Asp105Asn). This variant is not present in population databases (gnomAD no frequency). This variant has not been reported in the literature in individuals affected with CDKN2A (p16INK4a)-related conditions. This variant is also known as c.356G>A (p.Gly119Glu) in the CDKN2A (p14ARF) transcript. ClinVar contains an entry for this variant (Variation ID: 491573). An algorithm developed to predict the effect of missense changes on protein structure and function (PolyPhen-2) suggests that this variant¬†is likely to be tolerated. Experimental studies have shown that this missense change does not substantially affect CDKN2A (p16INK4a) function (PMID: 12606942). In summary, the available evidence is currently insufficient to determine the role of this variant in disease. Therefore, it has been classified as a Variant of Uncertain Significance.

Color Diagnostics, LLC DBA Color Health
Classification: Uncertain significance for Hereditary cancer-predisposing syndrome. Last evaluated: 2018-10-17. Review status: criteria provided, single submitter. Criteria: ACMG Guidelines, 2015. Collection method: clinical testing. Allele origin: germline.

Literature cited by the submitters: PubMed 12606942 (cited by Labcorp Genetics (formerly Invitae), Labcorp).

NM_000077.5(CDKN2A):c.313G>A (p.Asp105Asn)

Gene: CDKN2A (cyclin dependent kinase inhibitor 2A; minus strand). Cytogenetic location: 9p21.3.
Variant type: single nucleotide variant.
Coding change: c.313G>A on transcript NM_000077.5; coding-DNA position 313, G replaced by A.
Protein change: p.Asp105Asn; replaces aspartic acid 105 with asparagine.
Molecular consequence: missense variant (on NM_000077.6). On other transcripts: 3 prime UTR variant (1).
Genome position (GRCh38, 1-based): chr9:21,971,046, C>T on the plus strand (G>A on the coding strand, the complement: CDKN2A is on the minus strand). VCF-style: chr9-21971046-C-T. GRCh37 (hg19) VCF-style: chr9-21971045-C-T.
Other names: c.313G>A, p.Asp105Asn (NM_000077.6, NM_001195132.2); c.160G>A, p.Asp54Asn (NM_001363763.2); c.356G>A, p.Gly119Glu (NM_058195.4); c.*236G>A (NM_058197.5); short protein forms D105N, G119E, D54N.
Identifiers: ClinVar variation 491573 (VCV000491573.12), dbSNP rs774829510, ClinGen allele CA5012186.